The following is an entry in ClinVar:

NM_000465.4(BARD1):c.130C>T (p.Leu44=)

Gene: BARD1 (BRCA1 associated RING domain 1; minus strand). Cytogenetic location: 2q35.
Variant type: single nucleotide variant.
Coding change: c.130C>T on transcript NM_000465.4 (MANE Select); coding-DNA position 130, C replaced by T.
Protein change: p.Leu44=; no amino-acid change (leucine 44 retained).
Molecular consequence: synonymous variant. On other transcripts: non-coding transcript variant (3).
Genome position (GRCh38, 1-based): chr2:214,809,440, G>A on the plus strand (C>T on the coding strand, the complement: BARD1 is on the minus strand). VCF-style: chr2-214809440-G-A. GRCh37 (hg19) VCF-style: chr2-215674164-G-A.
Other names: c.130C>T, p.Leu44= (NM_001282543.2, NM_001282545.2, NM_001282548.2 and 1 more transcripts).
Identifiers: ClinVar variation 414120 (VCV000414120.15), dbSNP rs876658807, ClinGen allele CA16610608.

ClinVar aggregate classification (germline): Benign/Likely benign. Review status: criteria provided, multiple submitters, no conflicts (2 of 4 stars). 4 submissions from 4 submitters: Benign (1); Likely benign (2). 1 of the submissions does not count toward it. Last evaluated 2025-11-12.

Conditions:
Familial cancer of breast. Also called: Hereditary breast cancer; hereditary breast carcinoma; BREAST CANCER, FAMILIAL. Identifiers: Orphanet 227535, MedGen C0346153, MONDO:0016419, OMIM 114480. Disease mechanism: loss of function.
Hereditary cancer-predisposing syndrome. Also called: Neoplastic Syndromes, Hereditary; Tumor predisposition; Hereditary Cancer Syndrome; Hereditary neoplastic syndrome. Identifiers: Orphanet 140162, MedGen C0027672, MeSH D009386, MONDO:0015356.
Malignant tumor of breast. Also called: Malignant breast neoplasm; Cancer breast. Identifiers: MedGen C0006142, MONDO:0007254. Disease mechanism: loss of function.

gnomAD v4.1: 6 of 1,612,140 alleles (0.00037%); highest among the groups gnomAD compares: Admixed American, 0.005%; no homozygotes.

Submissions (4):

Labcorp Genetics (formerly Invitae), Labcorp
Classification: Likely benign for Familial cancer of breast. Last evaluated: 2025-11-12. Review status: criteria provided, single submitter. Criteria: Invitae Variant Classification Sherloc (09022015). Collection method: clinical testing. Allele origin: germline.

Myriad Genetics, Inc.
Classification: Benign for Familial cancer of breast. Last evaluated: 2024-07-18. Review status: criteria provided, single submitter. Criteria: Myriad Autosomal Dominant, Autosomal Recessive and X-Linked Classification Criteria (2023). Collection method: clinical testing. Allele origin: unknown.
Comment: This variant is considered benign. This variant is a silent/synonymous amino acid change and it is not expected to impact splicing.

Ambry Genetics
Classification: Likely benign for Hereditary cancer-predisposing syndrome. Last evaluated: 2021-09-02. Review status: criteria provided, single submitter. Criteria: Ambry Variant Classification Scheme 2023. Collection method: clinical testing. Allele origin: germline.

Department of Pathology and Laboratory Medicine, Sinai Health System
Classification: Likely benign for Malignant tumor of breast. Review status: no assertion criteria provided. Collection method: clinical testing. Allele origin: unknown. Affected: yes. Study: The Canadian Open Genetics Repository (COGR). Not counted in ClinVar's aggregate classification.
Comment: The BARD1 p.Leu44= variant was not identified in the literature. The variant was identified in dbSNP (rs876658807) as â€šÃ„Ãºwith likely benign, uncertain significance alleleâ€šÃ„Ã¹ and ClinVar (classified as likely benign by Invitae). The variant was identified in control databases in 5 of 241,684 chromosomes at a frequency of 0.00002 (Genome Aggregation Database Feb 27, 2017). The variant was observed in the following populations: East Asian in 2 of 17,964 chromosomes (freq: 0.0001), Latino in 3 of 34,274 chromosomes (freq: 0.00009), but was not observed in the African, Ashkenazi Jewish, Finnish, European, Other, and South Asian populations. The p.Leu44= variant is not expected to have clinical significance because it does not result in a change of amino acid and is not located in a known consensus splice site. The variant occurs at a non-highly conserved nucleotide outside of the splicing consensus sequence and in silico or computational prediction software programs (SpliceSiteFinder, MaxEntScan, NNSPLICE, GeneSplicer) do not predict a difference in splicing. In summary, based on the above information the clinical significance of this variant cannot be determined with certainty at this time although we would lean towards a more benign role for this variant. This variant is classified as likely benign.